The following is an entry in ClinVar:

ClinVar aggregate classification (germline): Uncertain significance (1 of 4 stars; one submission).

Conditions:
Immunodeficiency 14 (IMD14A). Also called: IMMUNODEFICIENCY 14A WITH LYMPHOPROLIFERATION, AUTOSOMAL DOMINANT; Activated PI3K Delta Syndrome Type 1 (APDS1); p110-DELTA-ACTIVATING MUTATION CAUSING SENESCENT T CELLS, LYMPHADENOPATHY, AND IMMUNODEFICIENCY; ACTIVATED PI3K-DELTA SYNDROME 1. Identifiers: Orphanet 397596, Orphanet 693661, MedGen C5907821, MONDO:0014222, OMIM 615513.

gnomAD v4.1: 1 of 1,613,690 alleles (0.000062%); highest among the groups gnomAD compares: Non-Finnish European, 0.000085%; no homozygotes.

Submission:

Labcorp Genetics (formerly Invitae), Labcorp
Classification: Uncertain significance for Activated PI3K-delta syndrome. Last evaluated: 2025-10-15. Review status: criteria provided, single submitter. Criteria: Invitae Variant Classification Sherloc (09022015). Collection method: clinical testing. Allele origin: germline.
Comment: This sequence change replaces asparagine, which is neutral and polar, with lysine, which is basic and polar, at codon 765 of the PIK3CD protein (p.Asn765Lys). This variant is not present in population databases (gnomAD no frequency). This variant has not been reported in the literature in individuals affected with PIK3CD-related conditions. ClinVar contains an entry for this variant (Variation ID: 2177897). Invitae Evidence Modeling of protein sequence and biophysical properties (such as structural, functional, and spatial information, amino acid conservation, physicochemical variation, residue mobility, and thermodynamic stability) indicates that this missense variant is expected to disrupt PIK3CD protein function with a positive predictive value of 80%. In summary, the available evidence is currently insufficient to determine the role of this variant in disease. Therefore, it has been classified as a Variant of Uncertain Significance.

NM_005026.5(PIK3CD):c.2295C>G (p.Asn765Lys)

Gene: PIK3CD (phosphatidylinositol-4,5-bisphosphate 3-kinase catalytic subunit delta; plus strand). Cytogenetic location: 1p36.22.
Variant type: single nucleotide variant.
Coding change: c.2295C>G on transcript NM_005026.5 (MANE Select); coding-DNA position 2295, C replaced by G.
Protein change: p.Asn765Lys; replaces asparagine 765 with lysine.
Molecular consequence: missense variant.
Genome position (GRCh38, 1-based): chr1:9,722,304, C>G. VCF-style: chr1-9722304-C-G. GRCh37 (hg19) VCF-style: chr1-9782362-C-G.
Other names: c.2292C>G, p.Asn764Lys (NM_001350234.2); c.2208C>G, p.Asn736Lys (NM_001350235.1); short protein forms N736K, N764K, N765K.
Identifiers: ClinVar variation 2177897 (VCV002177897.4), dbSNP rs972860101, ClinGen allele CA17781898.